The following is an entry in ClinVar:

ClinVar aggregate classification (germline): Benign/Likely benign. Review status: criteria provided, multiple submitters, no conflicts (2 of 4 stars). 3 submissions from 3 submitters: Benign (1); Likely benign (2). Last evaluated 2026-04-21.

Conditions:
DICER1-related tumor predisposition. Also called: DICER1-related pleuropulmonary blastoma cancer predisposition syndrome; DICER1 syndrome. Identifiers: Orphanet 284343, MedGen C3839822, MONDO:0100216.
Hereditary cancer-predisposing syndrome. Also called: Hereditary Cancer Syndrome; Hereditary neoplastic syndrome; Neoplastic Syndromes, Hereditary; Tumor predisposition. Identifiers: Orphanet 140162, MedGen C0027672, MeSH D009386, MONDO:0015356.

gnomAD v4.1: 45 of 1,614,012 alleles (0.0028%); highest among the groups gnomAD compares: Non-Finnish European, 0.0038%; no homozygotes.

Submissions (3):

Myriad Genetics, Inc.
Classification: Benign for DICER1-related tumor predisposition. Last evaluated: 2026-04-21. Review status: criteria provided, single submitter. Criteria: Myriad Autosomal Dominant, Autosomal Recessive and X-Linked Classification Criteria (2023). Collection method: clinical testing. Allele origin: unknown.
Comment: This variant is considered benign. This variant is a silent/synonymous amino acid change and it is not expected to impact splicing.

Labcorp Genetics (formerly Invitae), Labcorp
Classification: Likely benign for DICER1-related tumor predisposition. Last evaluated: 2026-01-08. Review status: criteria provided, single submitter. Criteria: Invitae Variant Classification Sherloc (09022015). Collection method: clinical testing. Allele origin: germline.

Ambry Genetics
Classification: Likely benign for Hereditary cancer-predisposing syndrome. Last evaluated: 2020-02-03. Review status: criteria provided, single submitter. Criteria: Ambry Variant Classification Scheme 2023. Collection method: clinical testing. Allele origin: germline.

NM_177438.3(DICER1):c.5421C>T (p.Ala1807=)

Gene: DICER1 (dicer 1, ribonuclease III; minus strand). Cytogenetic location: 14q32.13.
Variant type: single nucleotide variant.
Coding change: c.5421C>T on transcript NM_177438.3 (MANE Select); coding-DNA position 5421, C replaced by T.
Protein change: p.Ala1807=; no amino-acid change (alanine 1807 retained).
Molecular consequence: synonymous variant. On other transcripts: intron variant (1).
Genome position (GRCh38, 1-based): chr14:95,091,309, G>A on the plus strand (C>T on the coding strand, the complement: DICER1 is on the minus strand). VCF-style: chr14-95091309-G-A. GRCh37 (hg19) VCF-style: chr14-95557646-G-A.
Other names: c.5421C>T, p.Ala1807= (NM_001271282.3, NM_001291628.2, NM_030621.4); c.5365-200C>T (NM_001195573.1).
Identifiers: ClinVar variation 703699 (VCV000703699.16), dbSNP rs764305391, ClinGen allele CA487843737.